The following is an entry in ClinVar:

ClinVar aggregate classification (germline): Likely pathogenic (1 of 4 stars; one submission).

Submission:

Labcorp Genetics (formerly Invitae), Labcorp
Classification: Likely pathogenic. Last evaluated: 2022-08-09. Review status: criteria provided, single submitter. Criteria: Invitae Variant Classification Sherloc (09022015). Collection method: clinical testing. Allele origin: germline.
Comment: This sequence change affects a donor splice site in intron 1 of the DNAJC21 gene. It is expected to disrupt RNA splicing. Variants that disrupt the donor or acceptor splice site typically lead to a loss of protein function (PMID: 16199547), and loss-of-function variants in DNAJC21 are known to be pathogenic (PMID: 27346687, 28062395). This variant is not present in population databases (gnomAD no frequency). Algorithms developed to predict the effect of sequence changes on RNA splicing suggest that this variant may disrupt the consensus splice site. ClinVar contains an entry for this variant (Variation ID: 1349241). This variant has not been reported in the literature in individuals affected with DNAJC21-related conditions. In summary, the currently available evidence indicates that the variant is pathogenic, but additional data are needed to prove that conclusively. Therefore, this variant has been classified as Likely Pathogenic.

Literature cited by the submitters: PubMed 16199547; PubMed 27346687; PubMed 28062395.

NM_001012339.3(DNAJC21):c.97+1G>C

Genes: DNAJC21 (DnaJ heat shock protein family (Hsp40) member C21; plus strand), LOC129993792 (ATAC-STARR-seq lymphoblastoid silent region 15969; plus strand). Cytogenetic location: 5p13.2.
Variant type: single nucleotide variant.
Coding change: c.97+1G>C on transcript NM_001012339.3 (MANE Select); the canonical splice donor site of the intron after coding-DNA position 97, G replaced by C.
Molecular consequence: splice donor variant.
Genome position (GRCh38, 1-based): chr5:34,929,917, G>C. VCF-style: chr5-34929917-G-C. GRCh37 (hg19) VCF-style: chr5-34930022-G-C.
Other names: c.97+1G>C (NM_001348420.2, NM_194283.4).
Identifiers: ClinVar variation 1349241 (VCV001349241.8), dbSNP rs1764526690, ClinGen allele CA359410237.
Genomic context (GRCh38, chr5:34,929,917, plus strand): 5'-ACGCCAGCGAGGAGGAGCTCAAGAAGGCCTATCGGAAGCTGGCCCTGAAATGGCACCCGG[G>C]TAAGTACCTGTCCCGCAGCCCCCGCGGCCACTCGGAGAAGCCCGGCCCTCCCCGACCTTC-3'